The following is an entry in ClinVar:

ClinVar aggregate classification (germline): Benign (0 of 4 stars; one submission).

Conditions:
PTPRT-related disorder. Also called: PTPRT-related condition.

Allele frequency attached by ClinVar (database versions not stated): TOPMed 0.68875; 1000 Genomes Project 30x 0.69550; gnomAD 0.70564; 1000 Genomes Project 0.71106; gnomAD exomes 0.83343; ExAC 0.92113.
gnomAD v4.1: 1,065,030 of 1,301,520 alleles (82%); highest among the groups gnomAD compares: South Asian, 91%; 444,311 homozygotes.

Submission:

PreventionGenetics, part of Exact Sciences
Classification: Benign for PTPRT-related condition. Last evaluated: 2019-10-21. Review status: no assertion criteria provided. Collection method: clinical testing. Allele origin: germline.
Comment: This variant is classified as benign based on ACMG/AMP sequence variant interpretation guidelines (Richards et al. 2015 PMID: 25741868, with internal and published modifications).

NM_007050.6(PTPRT):c.85G>C (p.Ala29Pro)

Gene: PTPRT (protein tyrosine phosphatase receptor type T; minus strand). Cytogenetic location: 20q13.11.
Variant type: single nucleotide variant.
Coding change: c.85G>C on transcript NM_007050.6 (MANE Select); coding-DNA position 85, G replaced by C.
Protein change: p.Ala29Pro; replaces alanine 29 with proline.
Molecular consequence: missense variant.
Genome position (GRCh38, 1-based): chr20:43,189,649, C>G on the plus strand (G>C on the coding strand, the complement: PTPRT is on the minus strand). VCF-style: chr20-43189649-C-G. GRCh37 (hg19) VCF-style: chr20-41818289-C-G.
Other names: c.85G>C, p.Ala29Pro (NM_001394024.1, NM_001394025.1, NM_001394026.1 and 1 more transcripts); short protein forms A29P.
Identifiers: ClinVar variation 3059128 (VCV003059128.2), dbSNP rs2867655, ClinGen allele CA9864935.